The following is an entry in ClinVar:

NM_004933.3(CDH15):c.2025G>T (p.Pro675=)

Gene: CDH15 (cadherin 15; plus strand). Cytogenetic location: 16q24.3.
Variant type: single nucleotide variant.
Coding change: c.2025G>T on transcript NM_004933.3 (MANE Select); coding-DNA position 2025, G replaced by T.
Protein change: p.Pro675=; no amino-acid change (proline 675 retained).
Molecular consequence: synonymous variant.
Genome position (GRCh38, 1-based): chr16:89,193,787, G>T. VCF-style: chr16-89193787-G-T. GRCh37 (hg19) VCF-style: chr16-89260195-G-T.
Identifiers: ClinVar variation 3769511 (VCV003769511.2).
Genomic context (GRCh38, chr16:89,193,787, plus strand): 5'-TGGCTCTGTTCCACCTCCTCGCCCACAGGACGCCTACGACATCAGCCAGCTGCGTCACCC[G>T]ACAGCGCTGAGCCTGCCTCTGGGACCGCCGCCACTTCGCAGAGATGCCCCGCAGGGCCGC-3'
Protein context (NP_004924.1, residues 665-685): DAYDISQLRH[Pro675=]TALSLPLGPP

ClinVar aggregate classification (germline): Likely benign (1 of 4 stars; one submission).

Submission:

Women's Health and Genetics/Laboratory Corporation of America, LabCorp
Classification: Likely benign. Last evaluated: 2025-01-20. Review status: criteria provided, single submitter. Criteria: LabCorp Variant Classification Summary - May 2015. Collection method: clinical testing. Allele origin: germline.
Comment: Variant summary: CDH15 c.2025G>T results in a synonymous change. Consensus agreement among computation tools predict no significant impact on normal splicing. However, these predictions have yet to be confirmed by functional studies. The variant was absent in 230178 control chromosomes. The available data on variant occurrences in the general population are insufficient to allow any conclusion about variant significance. To our knowledge, no occurrence of c.2025G>T in individuals affected with Intellectual Disability, Autosomal Dominant 3 and no experimental evidence demonstrating its impact on protein function have been reported. No submitters have cited clinical-significance assessments for this variant to ClinVar. Based on the evidence outlined above, the variant was classified as likely benign.